The following is an entry in ClinVar:

NM_001946.4(DUSP6):c.434T>G (p.Leu145Arg)

Genes: POC1B-DUSP6 (POC1B-DUSP6 readthrough; minus strand), DUSP6 (dual specificity phosphatase 6; minus strand). Cytogenetic location: 12q21.33.
Variant type: single nucleotide variant.
Coding change: c.434T>G on transcript NM_001946.4 (MANE Select); coding-DNA position 434, T replaced by G.
Protein change: p.Leu145Arg; replaces leucine 145 with arginine.
Molecular consequence: missense variant. On other transcripts: intron variant (1).
Genome position (GRCh38, 1-based): chr12:89,350,992, A>C on the plus strand (T>G on the coding strand, the complement: DUSP6 is on the minus strand). VCF-style: chr12-89350992-A-C. GRCh37 (hg19) VCF-style: chr12-89744769-A-C.
Other names: c.400+648T>G (NM_022652.4); short protein forms L145R.
Identifiers: ClinVar variation 2988619 (VCV002988619.3), dbSNP rs1382652923, ClinGen allele CA385989020.

ClinVar aggregate classification (germline): Uncertain significance (1 of 4 stars; one submission).

Allele frequency attached by ClinVar (database versions not stated): gnomAD 0.00001; TOPMed 0.00001; gnomAD exomes 0.00002.

Submission:

Labcorp Genetics (formerly Invitae), Labcorp
Classification: Uncertain significance. Last evaluated: 2025-02-17. Review status: criteria provided, single submitter. Criteria: Invitae Variant Classification Sherloc (09022015). Collection method: clinical testing. Allele origin: germline.
Comment: This sequence change replaces leucine, which is neutral and non-polar, with arginine, which is basic and polar, at codon 145 of the DUSP6 protein (p.Leu145Arg). This variant is not present in population databases (gnomAD no frequency). This variant has not been reported in the literature in individuals affected with DUSP6-related conditions. ClinVar contains an entry for this variant (Variation ID: 2988619). Invitae Evidence Modeling of protein sequence and biophysical properties (such as structural, functional, and spatial information, amino acid conservation, physicochemical variation, residue mobility, and thermodynamic stability) indicates that this missense variant is not expected to disrupt DUSP6 protein function with a negative predictive value of 80%. In summary, the available evidence is currently insufficient to determine the role of this variant in disease. Therefore, it has been classified as a Variant of Uncertain Significance.